The following is an entry in ClinVar:

ClinVar aggregate classification (germline): Uncertain significance (1 of 4 stars; one submission).

Submission:

Labcorp Genetics (formerly Invitae), Labcorp
Classification: Uncertain significance. Last evaluated: 2022-05-27. Review status: criteria provided, single submitter. Criteria: Invitae Variant Classification Sherloc (09022015). Collection method: clinical testing. Allele origin: germline.
Comment: Algorithms developed to predict the effect of missense changes on protein structure and function are either unavailable or do not agree on the potential impact of this missense change (SIFT: "Deleterious"; PolyPhen-2: "Benign"; Align-GVGD: "Class C65"). In summary, the available evidence is currently insufficient to determine the role of this variant in disease. Therefore, it has been classified as a Variant of Uncertain Significance. This variant has not been reported in the literature in individuals affected with AP2M1-related conditions. This variant is present in population databases (no rsID available, gnomAD 0.004%). This sequence change replaces serine, which is neutral and polar, with arginine, which is basic and polar, at codon 153 of the AP2M1 protein (p.Ser153Arg).

NM_004068.4(AP2M1):c.459C>G (p.Ser153Arg)

Gene: AP2M1 (adaptor related protein complex 2 subunit mu 1; plus strand). Cytogenetic location: 3q27.1.
Variant type: single nucleotide variant.
Coding change: c.459C>G on transcript NM_004068.4 (MANE Select); coding-DNA position 459, C replaced by G.
Protein change: p.Ser153Arg; replaces serine 153 with arginine.
Molecular consequence: missense variant.
Genome position (GRCh38, 1-based): chr3:184,180,878, C>G. VCF-style: chr3-184180878-C-G. GRCh37 (hg19) VCF-style: chr3-183898666-C-G.
Other names: c.453C>G, p.Ser151Arg (NM_001025205.2); c.534C>G, p.Ser178Arg (NM_001311198.2); short protein forms S151R, S178R, S153R.
Identifiers: ClinVar variation 1999376 (VCV001999376.4), dbSNP rs1407472608, ClinGen allele CA355424032.
Genomic context (GRCh38, chr3:184,180,878, plus strand): 5'-GCCATTGCTGTTTGTTTCTGCCCTCATGTAGACAAAAGAAGAGCAGTCACAGATCACCAG[C>G]CAGGTAACTGGGCAGATTGGCTGGCGGCGAGAGGGTATCAAGTATCGTCGGAATGAGCTC-3'
Protein context (NP_004059.2, residues 143-163): QTKEEQSQIT[Ser153Arg]QVTGQIGWRR